The following is an entry in ClinVar:

ClinVar aggregate classification (germline): Benign (1 of 4 stars; one submission).

Allele frequency attached by ClinVar (database versions not stated): TOPMed 0.09088; gnomAD 0.08550 and 0.08603; 1000 Genomes Project 0.10603; 1000 Genomes Project 30x 0.10650.
gnomAD v4.1: 13,055 of 152,172 alleles (8.6%); highest among the groups gnomAD compares: African/African-American, 16%; 776 homozygotes.

Submission:

GeneDx
Classification: Benign. Last evaluated: 2018-06-14. Review status: criteria provided, single submitter. Criteria: GeneDx Variant Classification (06012015). Collection method: clinical testing. Allele origin: germline. Affected: yes.
Comment: This variant is considered likely benign or benign based on one or more of the following criteria: it is a conservative change, it occurs at a poorly conserved position in the protein, it is predicted to be benign by multiple in silico algorithms, and/or has population frequency not consistent with disease.

NM_021625.5(TRPV4):c.2209-274G>A

Gene: TRPV4 (transient receptor potential cation channel subfamily V member 4; minus strand). Cytogenetic location: 12q24.11.
Variant type: single nucleotide variant.
Coding change: c.2209-274G>A on transcript NM_021625.5 (MANE Select); 274 bases into the intron before coding-DNA position 2209, G replaced by A.
Molecular consequence: intron variant.
Genome position (GRCh38, 1-based): chr12:109,787,111, C>T on the plus strand (G>A on the coding strand, the complement: TRPV4 is on the minus strand). VCF-style: chr12-109787111-C-T. GRCh37 (hg19) VCF-style: chr12-110224916-C-T.
Other names: c.1888-274G>A (NM_001177433.1); c.2068-274G>A (NM_001177428.1); c.2029-274G>A (NM_147204.2); c.2107-274G>A (NM_001177431.1).
Identifiers: ClinVar variation 669904 (VCV000669904.1), dbSNP rs60258652, ClinGen allele CA15728923.